The following is an entry in ClinVar:

NM_005431.2(XRCC2):c.508G>C (p.Glu170Gln)

Gene: XRCC2 (X-ray repair cross complementing 2; minus strand). Cytogenetic location: 7q36.1.
Variant type: single nucleotide variant.
Coding change: c.508G>C on transcript NM_005431.2 (MANE Select); coding-DNA position 508, G replaced by C.
Protein change: p.Glu170Gln; replaces glutamic acid 170 with glutamine.
Molecular consequence: missense variant.
Genome position (GRCh38, 1-based): chr7:152,648,977, C>G on the plus strand (G>C on the coding strand, the complement: XRCC2 is on the minus strand). VCF-style: chr7-152648977-C-G. GRCh37 (hg19) VCF-style: chr7-152346062-C-G.
Other names: short protein forms E170Q.
Identifiers: ClinVar variation 2475335 (VCV002475335.3), dbSNP rs2485881150, ClinGen allele CA370198540.

ClinVar aggregate classification (germline): Uncertain significance (1 of 4 stars; one submission).

Conditions:
Hereditary cancer-predisposing syndrome. Also called: Neoplastic Syndromes, Hereditary; Hereditary neoplastic syndrome; Tumor predisposition; Hereditary Cancer Syndrome. Identifiers: Orphanet 140162, MedGen C0027672, MeSH D009386, MONDO:0015356.

Submission:

Ambry Genetics
Classification: Uncertain significance for Hereditary cancer-predisposing syndrome. Last evaluated: 2025-10-22. Review status: criteria provided, single submitter. Criteria: Ambry Variant Classification Scheme 2023. Collection method: clinical testing. Allele origin: germline.
Comment: The p.E170Q variant (also known as c.508G>C), located in coding exon 3 of the XRCC2 gene, results from a G to C substitution at nucleotide position 508. The glutamic acid at codon 170 is replaced by glutamine, an amino acid with highly similar properties. This amino acid position is conserved. In addition, the in silico prediction for this alteration is inconclusive. Based on the available evidence, the clinical significance of this variant remains unclear.